The following is an entry in ClinVar:

NM_004329.3(BMPR1A):c.831C>A (p.Ile277=)

Gene: BMPR1A (bone morphogenetic protein receptor type 1A; plus strand). Cytogenetic location: 10q23.2.
Variant type: single nucleotide variant.
Coding change: c.831C>A on transcript NM_004329.3 (MANE Select); coding-DNA position 831, C replaced by A.
Protein change: p.Ile277=; no amino-acid change (isoleucine 277 retained).
Molecular consequence: synonymous variant.
Genome position (GRCh38, 1-based): chr10:86,917,289, C>A. VCF-style: chr10-86917289-C-A. GRCh37 (hg19) VCF-style: chr10-88677046-C-A.
Identifiers: ClinVar variation 232049 (VCV000232049.19), dbSNP rs876659520, ClinGen allele CA10578887.

ClinVar aggregate classification (germline): Conflicting classifications of pathogenicity. Review status: criteria provided, conflicting classifications (1 of 4 stars). 5 submissions from 5 submitters: Uncertain significance (1); Benign (1); Likely benign (3). Last evaluated 2025-12-14.

Conditions:
Hereditary cancer-predisposing syndrome. Also called: Hereditary Cancer Syndrome; Neoplastic Syndromes, Hereditary; Tumor predisposition; Hereditary neoplastic syndrome. Identifiers: Orphanet 140162, MedGen C0027672, MeSH D009386, MONDO:0015356.
Juvenile polyposis syndrome (JPS). Identifiers: Orphanet 2929, MedGen C0345893, MONDO:0017380, OMIM 174900.

Allele frequency attached by ClinVar (database versions not stated): gnomAD exomes 0.00002.
gnomAD v4.1: 31 of 1,614,132 alleles (0.0019%); highest among the groups gnomAD compares: Non-Finnish European, 0.0026%; no homozygotes.

Submissions (5):

Labcorp Genetics (formerly Invitae), Labcorp
Classification: Likely benign for Juvenile polyposis syndrome. Last evaluated: 2025-12-14. Review status: criteria provided, single submitter. Criteria: Invitae Variant Classification Sherloc (09022015). Collection method: clinical testing. Allele origin: germline.

Myriad Genetics, Inc.
Classification: Benign for Juvenile polyposis syndrome. Last evaluated: 2024-08-05. Review status: criteria provided, single submitter. Criteria: Myriad Autosomal Dominant, Autosomal Recessive and X-Linked Classification Criteria (2023). Collection method: clinical testing. Allele origin: unknown.
Comment: This variant is considered benign. This variant is a silent/synonymous amino acid change and it is not expected to impact splicing.

GeneDx
Classification: Uncertain significance. Last evaluated: 2023-02-22. Review status: criteria provided, single submitter. Criteria: GeneDx Variant Classification Process June 2021. Collection method: clinical testing. Allele origin: germline. Affected: yes.
Comment: Not observed at significant frequency in large population cohorts (gnomAD); In silico analysis supports that this variant does not alter splicing; Has not been previously published as pathogenic or benign to our knowledge; This variant is associated with the following publications: (PMID: 28569743)

Color Diagnostics, LLC DBA Color Health
Classification: Likely benign for Hereditary cancer-predisposing syndrome. Last evaluated: 2017-05-16. Review status: criteria provided, single submitter. Criteria: ACMG Guidelines, 2015. Collection method: clinical testing. Allele origin: germline.

Ambry Genetics
Classification: Likely benign for Hereditary cancer-predisposing syndrome. Last evaluated: 2015-05-21. Review status: criteria provided, single submitter. Criteria: Ambry Variant Classification Scheme 2023. Collection method: clinical testing. Allele origin: germline.